The following is an entry in ClinVar:

ClinVar aggregate classification (germline): Pathogenic (1 of 4 stars; one submission).

Allele frequency attached by ClinVar (database versions not stated): gnomAD 0.00001.

Submission:

GeneDx
Classification: Pathogenic. Last evaluated: 2019-07-29. Review status: criteria provided, single submitter. Criteria: GeneDx Variant Classification Process June 2021. Collection method: clinical testing. Allele origin: germline. Affected: yes.
Comment: Canonical splice site variant in a gene for which loss-of-function is a known mechanism of disease; Not observed in large population cohorts (Lek et al., 2016); Has not been previously published as pathogenic or benign to our knowledge

NM_001199107.2(TBC1D24):c.1206+2T>C

Gene: TBC1D24 (TBC1 domain family member 24; plus strand). Cytogenetic location: 16p13.3.
Variant type: single nucleotide variant.
Coding change: c.1206+2T>C on transcript NM_001199107.2 (MANE Select); the canonical splice donor site of the intron after coding-DNA position 1206, T replaced by C.
Molecular consequence: splice donor variant.
Genome position (GRCh38, 1-based): chr16:2,499,422, T>C. VCF-style: chr16-2499422-T-C. GRCh37 (hg19) VCF-style: chr16-2549423-T-C.
Other names: c.1188+2T>C (NM_020705.3).
Identifiers: ClinVar variation 1203100 (VCV001203100.3), dbSNP rs2065771781, ClinGen allele CA394380080.